The following is an entry in ClinVar:

NM_024675.4(PALB2):c.2204C>T (p.Pro735Leu)

Gene: PALB2 (partner and localizer of BRCA2; minus strand). Cytogenetic location: 16p12.2.
Variant type: single nucleotide variant.
Coding change: c.2204C>T on transcript NM_024675.4 (MANE Select); coding-DNA position 2204, C replaced by T.
Protein change: p.Pro735Leu; replaces proline 735 with leucine.
Molecular consequence: missense variant.
Genome position (GRCh38, 1-based): chr16:23,629,950, G>A on the plus strand (C>T on the coding strand, the complement: PALB2 is on the minus strand). VCF-style: chr16-23629950-G-A. GRCh37 (hg19) VCF-style: chr16-23641271-G-A.
Other names: short protein forms P735L.
Identifiers: ClinVar variation 246252 (VCV000246252.26), dbSNP rs199743500, ClinGen allele CA7963613.

ClinVar aggregate classification (germline): Uncertain significance. Review status: criteria provided, multiple submitters, no conflicts (2 of 4 stars). 8 submissions from 8 submitters: Uncertain significance (7). 1 of the submissions does not count toward it. Last evaluated 2025-03-01.

Conditions:
Hereditary cancer-predisposing syndrome. Also called: Hereditary Cancer Syndrome; Tumor predisposition; Hereditary neoplastic syndrome; Neoplastic Syndromes, Hereditary. Identifiers: Orphanet 140162, MedGen C0027672, MeSH D009386, MONDO:0015356.
Familial cancer of breast. Also called: Hereditary breast cancer; hereditary breast carcinoma; BREAST CANCER, FAMILIAL. Identifiers: Orphanet 227535, MedGen C0346153, MONDO:0016419, OMIM 114480. Disease mechanism: loss of function.

Allele frequency attached by ClinVar (database versions not stated): gnomAD 0.00001; gnomAD exomes 0.00001 and 0.00002; ExAC 0.00002; 1000 Genomes Project 30x 0.00016; 1000 Genomes Project 0.00020.
gnomAD v4.1: 24 of 1,614,208 alleles (0.0015%); highest among the groups gnomAD compares: Non-Finnish European, 0.001%; no homozygotes.

Submissions (8):

Ambry Genetics
Classification: Uncertain significance for Hereditary cancer-predisposing syndrome. Last evaluated: 2025-03-01. Review status: criteria provided, single submitter. Criteria: Ambry Variant Classification Scheme 2023. Collection method: clinical testing. Allele origin: germline.
Comment: The p.P735L variant (also known as c.2204C>T), located in coding exon 5 of the PALB2 gene, results from a C to T substitution at nucleotide position 2204. The proline at codon 735 is replaced by leucine, an amino acid with similar properties. This amino acid position is highly conserved in available vertebrate species. In addition, the in silico prediction for this alteration is inconclusive. Since supporting evidence is limited at this time, the clinical significance of this alteration remains unclear.

Color Diagnostics, LLC DBA Color Health
Classification: Uncertain significance for Hereditary cancer-predisposing syndrome. Last evaluated: 2023-10-30. Review status: criteria provided, single submitter. Criteria: ACMG Guidelines, 2015. Collection method: clinical testing. Allele origin: germline.
Comment: This missense variant replaces proline with leucine at codon 735 of the PALB2 protein. Computational prediction suggests that this variant may not impact protein structure and function (internally defined REVEL score threshold <= 0.5, PMID: 27666373). To our knowledge, functional studies have not been reported for this variant. This variant has been detected in a breast cancer case-control meta-analysis in 1/60466 cases and 2/53461 unaffected individuals (PMID: 33471991; Leiden Open Variation Database DB-ID PALB2_010924), and this variant was found to not impact splicing (PMID: 31843900). This variant has been identified in 6/282902 chromosomes in the general population by the Genome Aggregation Database (gnomAD). The available evidence is insufficient to determine the role of this variant in disease conclusively. Therefore, this variant is classified as a Variant of Uncertain Significance.

Labcorp Genetics (formerly Invitae), Labcorp
Classification: Uncertain significance for Familial cancer of breast. Last evaluated: 2023-04-12. Review status: criteria provided, single submitter. Criteria: Invitae Variant Classification Sherloc (09022015). Collection method: clinical testing. Allele origin: germline.
Comment: This variant is present in population databases (rs199743500, gnomAD 0.004%). This variant has not been reported in the literature in individuals affected with PALB2-related conditions. ClinVar contains an entry for this variant (Variation ID: 246252). Advanced modeling of protein sequence and biophysical properties (such as structural, functional, and spatial information, amino acid conservation, physicochemical variation, residue mobility, and thermodynamic stability) performed at Invitae indicates that this missense variant is expected to disrupt PALB2 protein function. In summary, the available evidence is currently insufficient to determine the role of this variant in disease. Therefore, it has been classified as a Variant of Uncertain Significance. This sequence change replaces proline, which is neutral and non-polar, with leucine, which is neutral and non-polar, at codon 735 of the PALB2 protein (p.Pro735Leu).

Clinical Genetics Laboratory, Skane University Hospital Lund
Classification: Uncertain significance. Last evaluated: 2022-05-27. Review status: criteria provided, single submitter. Criteria: ACMG Guidelines, 2015. Collection method: clinical testing. Allele origin: germline. Affected: yes.

Blueprint Genetics
Classification: Uncertain significance. Last evaluated: 2022-05-24. Review status: criteria provided, single submitter. Criteria: ACMG Guidelines, 2015. Collection method: clinical testing. Allele origin: germline.

Women's Health and Genetics/Laboratory Corporation of America, LabCorp
Classification: Uncertain significance. Last evaluated: 2019-10-24. Review status: criteria provided, single submitter. Criteria: LabCorp Variant Classification Summary - May 2015. Collection method: clinical testing. Allele origin: germline.
Comment: Variant summary: PALB2 c.2204C>T (p.Pro735Leu) results in a non-conservative amino acid change in the encoded protein sequence. Four of five in-silico tools predict a damaging effect of the variant on protein function. The variant allele was found at a frequency of 2e-05 in 251494 control chromosomes (gnomAD). The available data on variant occurrences in the general population are insufficient to allow any conclusion about variant significance. To our knowledge, no occurrence of c.2204C>T in individuals affected with Breast Cancer and no experimental evidence demonstrating its impact on protein function have been reported. Four ClinVar submissions (evaluation after 2014) cites the variant as uncertain significance. Based on the evidence outlined above, the variant was classified as uncertain significance.

GeneDx
Classification: Uncertain significance. Last evaluated: 2015-12-19. Review status: criteria provided, single submitter. Criteria: GeneDx Variant Classification (06012015). Collection method: clinical testing. Allele origin: germline. Affected: yes.
Comment: This variant is denoted PALB2 c.2204C>T at the cDNA level, p.Pro735Leu (P735L) at the protein level, and results in the change of a Proline to a Leucine (CCA>CTA). This variant has not, to our knowledge, been published in the literature as pathogenic or benign. PALB2 Pro735Leu was not observed at a significant allele frequency in 1000 Genomes. Since Proline and Leucine differ in some properties, this is considered a semi-conservative amino acid substitution. PALB2 Pro735Leu occurs at a position that is conserved across species and is not located in a known functional domain (UniProt). In silico analyses predict that this variant is probably damaging to protein structure and function. Based on currently available evidence, it is unclear whether PALB2 Pro735Leu is a pathogenic or benign variant. We consider it to be a variant of uncertain significance.

King Laboratory, University of Washington
Classification: Benign. Last evaluated: 2019-09-01. Review status: no assertion criteria provided. Collection method: research. Allele origin: germline. Affected: yes. Not counted in ClinVar's aggregate classification.
Comment: Transcript analysis by cBROCA

Literature cited by the submitters: PubMed 31843900 (cited by Color Diagnostics, LLC DBA Color Health and King Laboratory, University of Washington); PubMed 33471991 (cited by Color Diagnostics, LLC DBA Color Health).